The following is an entry in ClinVar:

NM_015346.4(ZFYVE26):c.4409_4410insAAGA (p.Asp1470fs)

Gene: ZFYVE26 (zinc finger FYVE-type containing 26; minus strand). Cytogenetic location: 14q24.1.
Variant type: Insertion.
Coding change: c.4409_4410insAAGA on transcript NM_015346.4 (MANE Select); coding-DNA positions 4409 to 4410, AAGA inserted.
Protein change: p.Asp1470fs; shifts the reading frame from aspartic acid 1470.
Molecular consequence: frameshift variant.
Genome position: GRCh38 VCF-style: chr14-67781492-A-ATCTT. GRCh37 (hg19) VCF-style: chr14-68248209-A-ATCTT.
Other names: short protein forms D1470fs.
Identifiers: ClinVar variation 1724692 (VCV001724692.2), dbSNP rs2502801225, ClinGen allele CA2580088634.

ClinVar aggregate classification (germline): Likely pathogenic (1 of 4 stars; one submission).

Conditions:
Hereditary spastic paraplegia 15 (SPG15). Also called: SPASTIC PARAPLEGIA 15, AUTOSOMAL RECESSIVE; KJELLIN SYNDROME; SPASTIC PARAPLEGIA AND RETINAL DEGENERATION. Identifiers: Orphanet 100996, MedGen C1849128, MONDO:0010044, OMIM 270700.

Submission:

Myriad Genetics, Inc.
Classification: Likely pathogenic for Hereditary spastic paraplegia 15. Last evaluated: 2021-11-17. Review status: criteria provided, single submitter. Criteria: Myriad Women's Health Autosomal Recessive and X-Linked Classification Criteria (2021). Collection method: clinical testing. Allele origin: unknown.
Comment: NM_015346.3(ZFYVE26):c.4409_4410insAAGA(D1470Efs*42) is expected to be pathogenic in the context of spastic paraplegia type 15. This variant is predicted to lead to an abnormal or absent protein product due to the creation of a premature termination codon in ZFYVE26, a gene where loss-of-function variants are known to be pathogenic. Please note: this variant was assessed in the context of healthy population screening.